The following is an entry in ClinVar:

NM_031229.4(RBCK1):c.41G>A (p.Ser14Asn)

Gene: RBCK1 (RANBP2-type and C3HC4-type zinc finger containing 1; plus strand). Cytogenetic location: 20p13.
Variant type: single nucleotide variant.
Coding change: c.41G>A on transcript NM_031229.4 (MANE Select); coding-DNA position 41, G replaced by A.
Protein change: p.Ser14Asn; replaces serine 14 with asparagine.
Molecular consequence: missense variant. On other transcripts: 5 prime UTR variant (1), non-coding transcript variant (1), intron variant (2).
Genome position (GRCh38, 1-based): chr20:409,899, G>A. VCF-style: chr20-409899-G-A. GRCh37 (hg19) VCF-style: chr20-390543-G-A.
Other names: c.-309G>A (NM_001323956.2); c.41G>A, p.Ser14Asn (NM_001323960.2); c.41+1120G>A (NM_006462.6); c.-183+1120G>A (NM_001323958.2); short protein forms S14N.
Identifiers: ClinVar variation 1032921 (VCV001032921.2), dbSNP rs1471676178, ClinGen allele CA407944093.

ClinVar aggregate classification (germline): Uncertain significance. Review status: criteria provided, multiple submitters, no conflicts (2 of 4 stars). 2 submissions from 2 submitters: Uncertain significance (2). Last evaluated 2025-07-02.

Conditions:
Inborn genetic diseases. Identifiers: MedGen C0950123, MeSH D030342.
Polyglucosan body myopathy type 1 (PGBM1). Also called: Polyglucosan body myopathy 1 with or without immunodeficiency; POLYGLUCOSAN BODY MYOPATHY WITHOUT IMMUNODEFICIENCY. Identifiers: Orphanet 329173, Orphanet 397937, MedGen C4014605, MONDO:0014389, OMIM 615895.

Allele frequency attached by ClinVar (database versions not stated): gnomAD exomes below 0.00001.

Submissions (2):

Ambry Genetics
Classification: Uncertain significance for Inborn genetic diseases. Last evaluated: 2025-07-02. Review status: criteria provided, single submitter. Criteria: Ambry Variant Classification Scheme 2023. Collection method: clinical testing. Allele origin: germline.

Baylor Genetics
Classification: Uncertain significance for Polyglucosan body myopathy type 1. Last evaluated: 2018-06-11. Review status: criteria provided, single submitter. Criteria: ACMG Guidelines, 2015. Collection method: clinical testing. Allele origin: maternal. Affected: yes.
Comment: This variant was determined to be of uncertain significance according to ACMG Guidelines, 2015 [PMID:25741868].